The following is an entry in ClinVar:

NM_078480.3(PUF60):c.25-2A>G

Gene: PUF60 (poly(U) binding splicing factor 60; minus strand). Cytogenetic location: 8q24.3.
Variant type: single nucleotide variant.
Coding change: c.25-2A>G on transcript NM_078480.3 (MANE Select); the canonical splice acceptor site of the intron before coding-DNA position 25, A replaced by G.
Molecular consequence: splice acceptor variant. On other transcripts: intron variant (4).
Genome position (GRCh38, 1-based): chr8:143,824,401, T>C on the plus strand (A>G on the coding strand, the complement: PUF60 is on the minus strand). VCF-style: chr8-143824401-T-C. GRCh37 (hg19) VCF-style: chr8-144906571-T-C.
Other names: NC_000008.10:g.144906571T>C; c.25-2488A>G (NM_001271097.2, NM_001271099.2); c.25-5A>G (NM_001271096.2, NM_001271098.2); c.25-2A>G (NM_014281.5); c.-105-2A>G (NM_001271100.2, NM_001136033.3); c.136-2A>G (NM_001362897.2, NM_001362895.2, NM_001362896.2).
Identifiers: ClinVar variation 4344475 (VCV004344475.7).

ClinVar aggregate classification (germline): Uncertain significance (1 of 4 stars; one submission).

gnomAD v4.1: 69 of 1,611,312 alleles (0.0043%); highest among the groups gnomAD compares: Non-Finnish European, 0.0058%; no homozygotes.

Submissions (2):

CeGaT Center for Human Genetics Tuebingen
Classification: Uncertain significance. Last evaluated: 2025-11-01. Review status: criteria provided, single submitter. Criteria: CeGaT Center For Human Genetics Tuebingen Variant Classification Criteria Version 2. Collection method: clinical testing. Allele origin: germline. Affected: yes. Observed: 1 variant allele.
Comment: PUF60: PVS1:Moderate, PM2:Supporting

Dr. Peter K. Rogan Lab, Western University
No classification provided (evidence only). Condition: Familial cancer of breast. Review status: no classification provided. Collection method: in vitro. Allele origin: not applicable. Functional consequence: skipped exon, retained intron. Not counted in ClinVar's aggregate classification.